The following is an entry in ClinVar:

NM_000135.4(FANCA):c.344G>A (p.Gly115Glu)

Gene: FANCA (FA complementation group A; minus strand). Cytogenetic location: 16q24.3.
Variant type: single nucleotide variant.
Coding change: c.344G>A on transcript NM_000135.4 (MANE Select); coding-DNA position 344, G replaced by A.
Protein change: p.Gly115Glu; replaces glycine 115 with glutamic acid.
Molecular consequence: missense variant.
Genome position (GRCh38, 1-based): chr16:89,811,011, C>T on the plus strand (G>A on the coding strand, the complement: FANCA is on the minus strand). VCF-style: chr16-89811011-C-T. GRCh37 (hg19) VCF-style: chr16-89877419-C-T.
Other names: c.344G>A (NM_000135.3); c.344G>A, p.Gly115Glu (NM_001018112.3, NM_001286167.3, NM_001351830.2); short protein forms G115E.
Identifiers: ClinVar variation 862067 (VCV000862067.12), dbSNP rs748263867, ClinGen allele CA8253057.

ClinVar aggregate classification (germline): Uncertain significance. Review status: criteria provided, multiple submitters, no conflicts (2 of 4 stars). 6 submissions from 6 submitters: Uncertain significance (5). 1 of the submissions does not count toward it. Last evaluated 2024-09-13.

Conditions:
Fanconi anemia complementation group A (FANCA). Also called: Fanconi anemia, group A; FANCA-Related Fanconi Anemia. Identifiers: Orphanet 84, MedGen C3469521, MONDO:0009215, OMIM 227650.
Fanconi anemia (FA). Also called: Fanconi's anemia. Identifiers: Orphanet 84, MedGen C0015625, MeSH D005199, MONDO:0019391.

Allele frequency attached by ClinVar (database versions not stated): gnomAD exomes 0.00003; TOPMed 0.00006; ExAC 0.00007.
gnomAD v4.1: 100 of 1,613,930 alleles (0.0062%); highest among the groups gnomAD compares: Middle Eastern, 0.016%; no homozygotes.

Submissions (6):

Quest Diagnostics Nichols Institute San Juan Capistrano
Classification: Uncertain significance. Last evaluated: 2024-09-13. Review status: criteria provided, single submitter. Criteria: Quest Diagnostics criteria. Collection method: clinical testing. Allele origin: unknown.
Comment: The FANCA c.344G>A (p.Gly115Glu) variant has been reported in the published literature in an individual with pancreatic cancer (PMID: 28767289 (2017)). The frequency of this variant in the general population, 0.000078 (10/129006 chromosomes (Genome Aggregation Database)), is uninformative in the assessment of its pathogenicity. Analysis of this variant using bioinformatics tools for the prediction of the effect of amino acid changes on protein structure and function yielded predictions that this variant is benign. Based on the available information, we are unable to determine the clinical significance of this variant.

Blueprint Genetics
Classification: Uncertain significance. Last evaluated: 2024-06-17. Review status: criteria provided, single submitter. Criteria: ACMG Guidelines, 2015. Collection method: clinical testing. Allele origin: germline.

St. Jude Molecular Pathology, St. Jude Children's Research Hospital
Classification: Uncertain significance for Fanconi anemia complementation group A. Last evaluated: 2024-04-13. Review status: criteria provided, single submitter. Criteria: St. Jude Assertion Criteria 2020. Collection method: clinical testing. Allele origin: germline.
Comment: The FANCA c.344G>A (p.Gly115Glu) missense change has a maximum subpopulation frequency of 0.0078% in gnomAD v2.1.1. The in silico tool REVEL predicts a benign effect on protein function, but this prediction has not been confirmed by functional studies. The variant has been reported in one individual with pancreatic cancer (PMID: 28767289). This variant has not been reported in individuals with Fanconi anemia. In summary, the evidence currently available is insufficient to determine the clinical significance of this variant. It has therefore been classified as of uncertain significance.

Fulgent Genetics
Classification: Uncertain significance for Fanconi anemia complementation group A. Last evaluated: 2024-01-17. Review status: criteria provided, single submitter. Criteria: ACMG Guidelines, 2015. Collection method: clinical testing. Allele origin: germline.

Labcorp Genetics (formerly Invitae), Labcorp
Classification: Uncertain significance for Fanconi anemia. Last evaluated: 2022-09-06. Review status: criteria provided, single submitter. Criteria: Invitae Variant Classification Sherloc (09022015). Collection method: clinical testing. Allele origin: germline.
Comment: This sequence change replaces glycine, which is neutral and non-polar, with glutamic acid, which is acidic and polar, at codon 115 of the FANCA protein (p.Gly115Glu). This variant is present in population databases (rs748263867, gnomAD 0.009%). This missense change has been observed in individual(s) with pancreatic cancer (PMID: 28767289). ClinVar contains an entry for this variant (Variation ID: 862067). Advanced modeling of protein sequence and biophysical properties (such as structural, functional, and spatial information, amino acid conservation, physicochemical variation, residue mobility, and thermodynamic stability) performed at Invitae indicates that this missense variant is not expected to disrupt FANCA protein function. In summary, the available evidence is currently insufficient to determine the role of this variant in disease. Therefore, it has been classified as a Variant of Uncertain Significance.

Natera, Inc.
Classification: Uncertain significance for Fanconi anemia. Last evaluated: 2020-03-04. Review status: no assertion criteria provided. Collection method: clinical testing. Allele origin: germline. Not counted in ClinVar's aggregate classification.

Literature cited by the submitters: PubMed 28767289 (cited by Quest Diagnostics Nichols Institute San Juan Capistrano and Labcorp Genetics (formerly Invitae), Labcorp).